The following is an entry in ClinVar:

NC_000001.10:g.(?_156083461)_(156110880_?)del

Gene: LMNA (lamin A/C; plus strand). Cytogenetic location: 1q22.
Variant type: Deletion.
Identifiers: ClinVar variation 1071868 (VCV001071868.7).

ClinVar aggregate classification (germline): Pathogenic (1 of 4 stars; one submission).

Conditions:
Charcot-Marie-Tooth disease type 2. Also called: Charcot-Marie-Tooth type 2. Identifiers: Orphanet 64746, MedGen C0270914, MONDO:0018993.

Submission:

Labcorp Genetics (formerly Invitae), Labcorp
Classification: Pathogenic for Charcot-Marie-Tooth disease type 2. Last evaluated: 2023-10-13. Review status: criteria provided, single submitter. Criteria: Invitae Variant Classification Sherloc (09022015). Collection method: clinical testing. Allele origin: germline.
Comment: A gross deletion of the genomic region encompassing the full coding sequence of the LMNA gene has been identified. Loss-of-function variants in LMNA are known to be pathogenic (PMID: 18585512, 18926329). The boundaries of this event are unknown as they extend beyond the assayed region for this gene and therefore may encompass additional genes. This variant has not been reported in the literature in individuals affected with LMNA-related conditions. For these reasons, this variant has been classified as Pathogenic.

Literature cited by the submitters: PubMed 18585512; PubMed 18926329.